The following is an entry in ClinVar:

ClinVar aggregate classification (germline): Uncertain significance (1 of 4 stars; one submission).

Submission:

Labcorp Genetics (formerly Invitae), Labcorp
Classification: Uncertain significance. Last evaluated: 2021-04-27. Review status: criteria provided, single submitter. Criteria: Invitae Variant Classification Sherloc (09022015). Collection method: clinical testing. Allele origin: germline.
Comment: Algorithms developed to predict the effect of missense changes on protein structure and function (SIFT, PolyPhen-2, Align-GVGD) all suggest that this variant is likely to be tolerated, but these predictions have not been confirmed by published functional studies and their clinical significance is uncertain. In summary, the available evidence is currently insufficient to determine the role of this variant in disease. Therefore, it has been classified as a Variant of Uncertain Significance. This sequence change replaces asparagine with lysine at codon 379 of the HPS1 protein (p.Asn379Lys). The asparagine residue is weakly conserved and there is a moderate physicochemical difference between asparagine and lysine. This variant is not present in population databases (ExAC no frequency). This variant has not been reported in the literature in individuals with HPS1-related conditions.

NM_000195.5(HPS1):c.1137C>G (p.Asn379Lys)

Gene: HPS1 (HPS1 biogenesis of lysosomal organelles complex 3 subunit 1; minus strand). Cytogenetic location: 10q24.2.
Variant type: single nucleotide variant.
Coding change: c.1137C>G on transcript NM_000195.5 (MANE Select); coding-DNA position 1137, C replaced by G.
Protein change: p.Asn379Lys; replaces asparagine 379 with lysine.
Molecular consequence: missense variant.
Genome position (GRCh38, 1-based): chr10:98,425,836, G>C on the plus strand (C>G on the coding strand, the complement: HPS1 is on the minus strand). VCF-style: chr10-98425836-G-C. GRCh37 (hg19) VCF-style: chr10-100185593-G-C.
Other names: c.165C>G, p.Asn55Lys (NM_001311345.2, NM_001322487.2, NM_001322489.2); c.1137C>G, p.Asn379Lys (NM_001322476.2, NM_001322477.2); c.1038C>G, p.Asn346Lys (NM_001322478.2, NM_001322479.2); c.876C>G, p.Asn292Lys (NM_001322480.2, NM_001322481.2); c.777C>G, p.Asn259Lys (NM_001322482.2); c.768C>G, p.Asn256Lys (NM_001322483.2, NM_001322484.2); c.669C>G, p.Asn223Lys (NM_001322485.2); short protein forms N259K, N292K, N55K, N223K, N256K, N346K, N379K.
Identifiers: ClinVar variation 1349508 (VCV001349508.8), dbSNP rs2136155916, ClinGen allele CA378047989.